The following is an entry in ClinVar:

NM_201253.3(CRB1):c.1094_1095delinsCT (p.Arg365Pro)

Gene: CRB1 (crumbs cell polarity complex component 1; plus strand). Cytogenetic location: 1q31.3.
Variant type: Indel.
Coding change: c.1094_1095delinsCT on transcript NM_201253.3 (MANE Select); coding-DNA positions 1094 to 1095, GC replaced by CT.
Protein change: p.Arg365Pro; replaces arginine 365 with proline.
Molecular consequence: missense variant. On other transcripts: non-coding transcript variant (2).
Genome position (GRCh38, 1-based): chr1:197,356,936-197,356,937, GC replaced by CT. VCF-style: chr1-197356936-GC-CT. GRCh37 (hg19) VCF-style: chr1-197326066-GC-CT.
Other names: c.758_759delinsCT, p.Arg253Pro (NM_001193640.2); c.887_888delinsCT, p.Arg296Pro (NM_001257965.2); c.1094_1095delinsCT, p.Arg365Pro (NM_001257966.2); short protein forms R253P, R296P, R365P.
Identifiers: ClinVar variation 964666 (VCV000964666.6), dbSNP rs1660512789, ClinGen allele CA1139656476.
Genomic context (GRCh38, chr1:197,356,936, plus strand): 5'-GTAACCCCTGCCAGTCCAATGGGGAATGTGTGGAGCTGTCCTCAGAGAAACAATATGGAC[GC>CT]ATCACTGGACTGCCTTCTTCTTTCAGCTACCATGAAGCCTCAGGTTATGTCTGTATCTGT-3'
Protein context (NP_957705.1, residues 355-375): VELSSEKQYG[Arg365Pro]ITGLPSSFSY

ClinVar aggregate classification (germline): Uncertain significance. Review status: criteria provided, multiple submitters, no conflicts (2 of 4 stars). 2 submissions from 2 submitters: Uncertain significance (2). Last evaluated 2024-11-11.

Conditions:
Retinitis pigmentosa 12 (RP12). Also called: RP WITH OR WITHOUT PRESERVED PARAARTERIOLE RETINAL PIGMENT EPITHELIUM; RETINITIS PIGMENTOSA WITH OR WITHOUT PARAARTERIOLAR PRESERVATION OF RETINAL PIGMENT EPITHELIUM; RP WITH OR WITHOUT PPRPE. Identifiers: Orphanet 791, MedGen C1838647, MONDO:0010818, OMIM 600105.
Leber congenital amaurosis 8 (LCA8). Identifiers: Orphanet 65, MedGen C3151202, MONDO:0013453, OMIM 613835.

Submissions (2):

Labcorp Genetics (formerly Invitae), Labcorp
Classification: Uncertain significance for Leber congenital amaurosis 8; Retinitis pigmentosa 12. Last evaluated: 2024-11-11. Review status: criteria provided, single submitter. Criteria: Invitae Variant Classification Sherloc (09022015). Collection method: clinical testing. Allele origin: germline.
Comment: This sequence change replaces arginine, which is basic and polar, with proline, which is neutral and non-polar, at codon 365 of the CRB1 protein (p.Arg365Pro). This variant is present in population databases (no rsID available, gnomAD 0.0008%). This variant has not been reported in the literature in individuals affected with CRB1-related conditions. ClinVar contains an entry for this variant (Variation ID: 964666). An algorithm developed to predict the effect of missense changes on protein structure and function (PolyPhen-2) suggests that this variant is likely to be disruptive. In summary, the available evidence is currently insufficient to determine the role of this variant in disease. Therefore, it has been classified as a Variant of Uncertain Significance.

Blueprint Genetics
Classification: Uncertain significance. Last evaluated: 2022-03-23. Review status: criteria provided, single submitter. Criteria: ACMG Guidelines, 2015. Collection method: clinical testing. Allele origin: germline.